The following is an entry in ClinVar:

ClinVar aggregate classification (germline): Uncertain significance. Review status: criteria provided, multiple submitters, no conflicts (2 of 4 stars). 2 submissions from 2 submitters: Uncertain significance (2). Last evaluated 2023-07-07.

Conditions:
Primary ciliary dyskinesia. Also called: Ciliary dyskinesia. Identifiers: Orphanet 244, MedGen C0008780, MONDO:0016575, HP:0012265.
Primary ciliary dyskinesia 29. Also called: CILIARY DYSKINESIA, PRIMARY, 29, WITHOUT SITUS INVERSUS. Identifiers: Orphanet 244, MedGen C4014534, MONDO:0014378, OMIM 615872.

Allele frequency attached by ClinVar (database versions not stated): TOPMed below 0.00001.

Submissions (2):

Labcorp Genetics (formerly Invitae), Labcorp
Classification: Uncertain significance for Primary ciliary dyskinesia. Last evaluated: 2023-07-07. Review status: criteria provided, single submitter. Criteria: Invitae Variant Classification Sherloc (09022015). Collection method: clinical testing. Allele origin: germline.
Comment: This sequence change replaces phenylalanine, which is neutral and non-polar, with serine, which is neutral and polar, at codon 164 of the CCNO protein (p.Phe164Ser). This variant is not present in population databases (gnomAD no frequency). This missense change has been observed in individual(s) with clinical features of primary ciliary dyskinesia (Invitae). ClinVar contains an entry for this variant (Variation ID: 411593). Advanced modeling of protein sequence and biophysical properties (such as structural, functional, and spatial information, amino acid conservation, physicochemical variation, residue mobility, and thermodynamic stability) performed at Invitae indicates that this missense variant is expected to disrupt CCNO protein function. In summary, the available evidence is currently insufficient to determine the role of this variant in disease. Therefore, it has been classified as a Variant of Uncertain Significance.

Revvity Omics, Revvity
Classification: Uncertain significance for Primary ciliary dyskinesia 29. Last evaluated: 2021-04-29. Review status: criteria provided, single submitter. Criteria: ACMG Guidelines, 2015. Collection method: clinical testing. Allele origin: germline.

NM_021147.5(CCNO):c.491T>C (p.Phe164Ser)

Gene: CCNO (cyclin O; minus strand). Cytogenetic location: 5q11.2.
Variant type: single nucleotide variant.
Coding change: c.491T>C on transcript NM_021147.5 (MANE Select); coding-DNA position 491, T replaced by C.
Protein change: p.Phe164Ser; replaces phenylalanine 164 with serine.
Molecular consequence: missense variant. On other transcripts: non-coding transcript variant (3).
Genome position (GRCh38, 1-based): chr5:55,232,437, A>G on the plus strand (T>C on the coding strand, the complement: CCNO is on the minus strand). VCF-style: chr5-55232437-A-G. GRCh37 (hg19) VCF-style: chr5-54528265-A-G.
Other names: short protein forms F164S.
Identifiers: ClinVar variation 411593 (VCV000411593.13), dbSNP rs755937476, ClinGen allele CA16611859.